The following is an entry in ClinVar:

ClinVar aggregate classification (germline): Uncertain significance (1 of 4 stars; one submission).

Submission:

Labcorp Genetics (formerly Invitae), Labcorp
Classification: Uncertain significance. Last evaluated: 2023-11-27. Review status: criteria provided, single submitter. Criteria: Invitae Variant Classification Sherloc (09022015). Collection method: clinical testing. Allele origin: germline.
Comment: This sequence change disrupts the translational stop signal of the ROM1 mRNA. It is expected to extend the length of the ROM1 protein by 31 additional amino acid residues. This variant is not present in population databases (gnomAD no frequency). This variant has not been reported in the literature in individuals affected with ROM1-related conditions. ClinVar contains an entry for this variant (Variation ID: 1015577). Experimental studies and prediction algorithms are not available or were not evaluated, and the functional significance of this variant is currently unknown. Algorithms developed to predict the effect of sequence changes on RNA splicing suggest that this variant may create or strengthen a splice site. In summary, the available evidence is currently insufficient to determine the role of this variant in disease. Therefore, it has been classified as a Variant of Uncertain Significance.

NM_000327.4(ROM1):c.1054T>G (p.Ter352Glu)

Gene: ROM1 (retinal outer segment membrane protein 1; plus strand). Cytogenetic location: 11q12.3.
Variant type: single nucleotide variant.
Coding change: c.1054T>G on transcript NM_000327.4 (MANE Select); coding-DNA position 1054, T replaced by G.
Protein change: p.Ter352Glu.
Molecular consequence: stop lost.
Genome position (GRCh38, 1-based): chr11:62,614,837, T>G. VCF-style: chr11-62614837-T-G. GRCh37 (hg19) VCF-style: chr11-62382309-T-G.
Identifiers: ClinVar variation 1015577 (VCV001015577.8), dbSNP rs1942991627, ClinGen allele CA380973699.